The following is an entry in ClinVar:

NM_006231.4(POLE):c.2595G>A (p.Trp865Ter)

Gene: POLE (DNA polymerase epsilon, catalytic subunit; minus strand). Cytogenetic location: 12q24.33.
Variant type: single nucleotide variant.
Coding change: c.2595G>A on transcript NM_006231.4 (MANE Select); coding-DNA position 2595, G replaced by A.
Protein change: p.Trp865Ter; replaces tryptophan 865 with a stop codon.
Molecular consequence: nonsense.
Genome position (GRCh38, 1-based): chr12:132,664,115, C>T on the plus strand (G>A on the coding strand, the complement: POLE is on the minus strand). VCF-style: chr12-132664115-C-T. GRCh37 (hg19) VCF-style: chr12-133240701-C-T.
Other names: short protein forms W865*.
Identifiers: ClinVar variation 821459 (VCV000821459.13), dbSNP rs1593782279, ClinGen allele CA387395758.

ClinVar aggregate classification (germline): Conflicting classifications of pathogenicity. Review status: criteria provided, conflicting classifications (1 of 4 stars). 2 submissions from 2 submitters: Pathogenic (1); Uncertain significance (1). Last evaluated 2025-06-13.

Conditions:
Hereditary cancer-predisposing syndrome. Also called: Neoplastic Syndromes, Hereditary; Tumor predisposition; Hereditary Cancer Syndrome; Hereditary neoplastic syndrome. Identifiers: Orphanet 140162, MedGen C0027672, MeSH D009386, MONDO:0015356.

Allele frequency attached by ClinVar (database versions not stated): gnomAD exomes below 0.00001.
gnomAD v4.1: 1 of 1,614,192 alleles (0.000062%); no homozygotes.

Submissions (2):

Ambry Genetics
Classification: Uncertain significance for Hereditary cancer-predisposing syndrome. Last evaluated: 2025-06-13. Review status: criteria provided, single submitter. Criteria: Ambry Variant Classification Scheme 2023. Collection method: clinical testing. Allele origin: germline.
Comment: The p.W865* variant (also known as c.2595G>A), located in coding exon 23 of the POLE gene, results from a G to A substitution at nucleotide position 2595. This changes the amino acid from a tryptophan to a stop codon within coding exon 23. This alteration is expected to result in loss of function by premature protein truncation or nonsense-mediated mRNA decay. Although biallelic loss of function of POLE has been associated with autosomal recessive POLE deficiency, haploinsufficiency of POLE has not been established as a mechanism of disease for POLE-related polymerase proofreading-associated polyposis (PPAP) and POLE-related CMMRD-like syndrome. Based on the supporting evidence, this variant is expected to be causative of POLE deficiency when present along with a second pathogenic variant on the other allele; however, its clinical significance for PPAP and POLE-related CMMRD-like syndrome is unclear.

Labcorp Genetics (formerly Invitae), Labcorp
Classification: Pathogenic. Last evaluated: 2024-08-27. Review status: criteria provided, single submitter. Criteria: Invitae Variant Classification Sherloc (09022015). Collection method: clinical testing. Allele origin: germline.
Comment: This sequence change creates a premature translational stop signal (p.Trp865*) in the POLE gene. It is expected to result in an absent or disrupted protein product. Loss-of-function variants in POLE are known to be pathogenic (PMID: 23230001, 25948378, 30503519). This variant is not present in population databases (gnomAD no frequency). This variant has not been reported in the literature in individuals affected with POLE-related conditions. ClinVar contains an entry for this variant (Variation ID: 821459). For these reasons, this variant has been classified as Pathogenic.

Literature cited by the submitters: PubMed 23230001 (cited by Labcorp Genetics (formerly Invitae), Labcorp); PubMed 25948378 (cited by Labcorp Genetics (formerly Invitae), Labcorp); PubMed 30503519 (cited by Labcorp Genetics (formerly Invitae), Labcorp).